The following is an entry in ClinVar:

ClinVar aggregate classification (germline): Uncertain significance (1 of 4 stars; one submission).

Conditions:
Adenylosuccinate lyase deficiency (ADSLD). Also called: ADSL DEFICIENCY. Identifiers: Orphanet 46, MedGen C0268126, MONDO:0007068, OMIM 103050.

Allele frequency attached by ClinVar (database versions not stated): TOPMed below 0.00001; ExAC 0.00001; gnomAD exomes 0.00001 and 0.00002.
gnomAD v4.1: 3 of 1,610,920 alleles (0.00019%); highest among the groups gnomAD compares: Admixed American, 0.005%; no homozygotes.

Submission:

Labcorp Genetics (formerly Invitae), Labcorp
Classification: Uncertain significance for Adenylosuccinate lyase deficiency. Last evaluated: 2022-02-25. Review status: criteria provided, single submitter. Criteria: Invitae Variant Classification Sherloc (09022015). Collection method: clinical testing. Allele origin: germline.
Comment: This sequence change replaces tryptophan, which is neutral and slightly polar, with cysteine, which is neutral and slightly polar, at codon 43 of the ADSL protein (p.Trp43Cys). This variant is present in population databases (rs770916318, gnomAD 0.01%). This variant has not been reported in the literature in individuals affected with ADSL-related conditions. Advanced modeling of protein sequence and biophysical properties (such as structural, functional, and spatial information, amino acid conservation, physicochemical variation, residue mobility, and thermodynamic stability) performed at Invitae indicates that this missense variant is expected to disrupt ADSL protein function. In summary, the available evidence is currently insufficient to determine the role of this variant in disease. Therefore, it has been classified as a Variant of Uncertain Significance.

NM_000026.4(ADSL):c.129G>C (p.Trp43Cys)

Gene: ADSL (adenylosuccinate lyase; plus strand). Cytogenetic location: 22q13.1.
Variant type: single nucleotide variant.
Coding change: c.129G>C on transcript NM_000026.4 (MANE Select); coding-DNA position 129, G replaced by C.
Protein change: p.Trp43Cys; replaces tryptophan 43 with cysteine.
Molecular consequence: missense variant. On other transcripts: non-coding transcript variant (1), intron variant (1).
Genome position (GRCh38, 1-based): chr22:40,346,687, G>C. VCF-style: chr22-40346687-G-C. GRCh37 (hg19) VCF-style: chr22-40742691-G-C.
Other names: c.129G>C, p.Trp43Cys (NM_001123378.3, NM_001363840.3); c.-40+31G>C (NM_001317923.2); short protein forms W43C.
Identifiers: ClinVar variation 1522032 (VCV001522032.3), dbSNP rs770916318, ClinGen allele CA10247609.